The following is an entry in ClinVar:

ClinVar aggregate classification (germline): Likely benign (1 of 4 stars; one submission).

Submission:

CeGaT Center for Human Genetics Tuebingen
Classification: Likely benign. Last evaluated: 2022-08-01. Review status: criteria provided, single submitter. Criteria: CeGaT Center For Human Genetics Tuebingen Variant Classification Criteria Version 2. Collection method: clinical testing. Allele origin: germline. Affected: yes. Observed: 1 variant allele.
Comment: CPT1C: PM2:Supporting, BP4, BP7

NM_001199753.2(CPT1C):c.534T>C (p.Ser178=)

Gene: CPT1C (carnitine palmitoyltransferase 1C; plus strand). Cytogenetic location: 19q13.33.
Variant type: single nucleotide variant.
Coding change: c.534T>C on transcript NM_001199753.2 (MANE Select); coding-DNA position 534, T replaced by C.
Protein change: p.Ser178=; no amino-acid change (serine 178 retained).
Molecular consequence: synonymous variant. On other transcripts: non-coding transcript variant (1).
Genome position (GRCh38, 1-based): chr19:49,701,397, T>C. VCF-style: chr19-49701397-T-C. GRCh37 (hg19) VCF-style: chr19-50204654-T-C.
Other names: c.534T>C, p.Ser178= (NM_001136052.3, NM_001199752.3, NM_001378482.1 and 7 more transcripts).
Identifiers: ClinVar variation 2650284 (VCV002650284.24), dbSNP rs769339964, ClinGen allele CA309509223.